The following is an entry in ClinVar:

ClinVar aggregate classification (germline): Uncertain significance. Review status: criteria provided, multiple submitters, no conflicts (2 of 4 stars). 2 submissions from 2 submitters: Uncertain significance (2). Last evaluated 2025-08-09.

Conditions:
Alpha thalassemia-X-linked intellectual disability syndrome (ATRX). Also called: ALPHA-THALASSEMIA/MENTAL RETARDATION SYNDROME, X-LINKED; ATR, NONDELETION TYPE; ATR-X syndrome; Alpha thalassemia mental retardation syndrome, nondeletion type, X-linked; XLMR hypotonic face syndrome; X-linked alpha-thalassemia-mental retardation syndrome. Identifiers: Orphanet 847, MedGen C1845055, MONDO:0010519, OMIM 301040.

Submissions (2):

GeneDx
Classification: Uncertain significance. Last evaluated: 2025-08-09. Review status: criteria provided, single submitter. Criteria: GeneDx Variant Classification Process June 2021. Collection method: clinical testing. Allele origin: germline. Affected: yes.
Comment: Not observed at significant frequency in large population cohorts (gnomAD); In-frame deletion of 1 amino acid(s) in a non-repeat region; In silico analysis supports a deleterious effect on protein structure/function; Has not been previously published as pathogenic or benign to our knowledge

Labcorp Genetics (formerly Invitae), Labcorp
Classification: Uncertain significance for Alpha thalassemia-X-linked intellectual disability syndrome. Last evaluated: 2024-10-23. Review status: criteria provided, single submitter. Criteria: Invitae Variant Classification Sherloc (09022015). Collection method: clinical testing. Allele origin: germline.
Comment: This variant, c.3327_3329del, results in the deletion of 1 amino acid(s) of the ATRX protein (p.Ser1110del), but otherwise preserves the integrity of the reading frame. This variant is not present in population databases (gnomAD no frequency). This variant has not been reported in the literature in individuals affected with ATRX-related conditions. Experimental studies and prediction algorithms are not available or were not evaluated, and the functional significance of this variant is currently unknown. In summary, the available evidence is currently insufficient to determine the role of this variant in disease. Therefore, it has been classified as a Variant of Uncertain Significance.

NM_000489.6(ATRX):c.3324ATC[1] (p.Ser1110del)

Gene: ATRX (ATRX chromatin remodeler; minus strand). Cytogenetic location: Xq21.1.
Variant type: Microsatellite.
Coding change: c.3324ATC[1] on transcript NM_000489.6 (MANE Select); one copy of the 3-base unit ATC starting at c.3324; the reference has two copies in a row; one copy, 3 bases deleted; also written c.3327_3329del.
Protein change: p.Ser1110del; deletes serine 1110.
Molecular consequence: inframe deletion.
Genome position (GRCh38, 1-based): chrX:77,681,927-77,681,929, GAT deleted on the plus strand (ATC on the coding strand, the reverse complement: ATRX is on the minus strand); deleting any 3 consecutive bases within chrX:77,681,927-77,681,934 gives the same sequence; the position shown is the placement nearest the transcript's 3' end. VCF-style (leftmost placement, unchanged base first): chrX-77681926-AGAT-A. GRCh37 (hg19) VCF-style: chrX-76937418-AGAT-A.
Other names: c.3210ATC[1], p.Ser1072del (NM_138270.5); c.3327_3329del (NM_000489.3); short protein forms S1072del, S1110del.
Identifiers: ClinVar variation 2714944 (VCV002714944.3), dbSNP rs1225014954, ClinGen allele CA878390169.
Genomic context (GRCh38, chrX:77,681,926, plus strand): 5'-TTTCAGTCTCTTATCAGAAGAGTTACAACCATCTTCTTTCATGGAATATTTCTCAGTATC[AGAT>A]GATGAACAATCTTGTCTCTTCCTTGAACTCTTTCCAAGCAACTTGCACCTTTTCTTCTCT-3'